The following is an entry in ClinVar:

NM_000179.3(MSH6):c.1685A>G (p.Asp562Gly)

Gene: MSH6 (mutS homolog 6; plus strand). Cytogenetic location: 2p16.3.
Variant type: single nucleotide variant.
Coding change: c.1685A>G on transcript NM_000179.3 (MANE Select); coding-DNA position 1685, A replaced by G.
Protein change: p.Asp562Gly; replaces aspartic acid 562 with glycine.
Molecular consequence: missense variant.
Genome position (GRCh38, 1-based): chr2:47,799,668, A>G. VCF-style: chr2-47799668-A-G. GRCh37 (hg19) VCF-style: chr2-48026807-A-G.
Other names: c.1295A>G, p.Asp432Gly (NM_001281492.2); c.779A>G, p.Asp260Gly (NM_001281493.2, NM_001281494.2, NM_001406823.1 and 6 more transcripts); c.1781A>G, p.Asp594Gly (NM_001406795.1, NM_001406802.1); c.1685A>G, p.Asp562Gly (NM_001406796.1, NM_001406798.1, NM_001406800.1 and 3 more transcripts); c.1388A>G, p.Asp463Gly (NM_001406797.1, NM_001406801.1, NM_001406805.1 and 10 more transcripts); c.1160A>G, p.Asp387Gly (NM_001406799.1, NM_001406806.1, NM_001406807.1); c.1607A>G, p.Asp536Gly (NM_001406804.1); c.1517A>G, p.Asp506Gly (NM_001406826.1); and 1 more; short protein forms D387G, D463G, D594G, D432G, D506G, D564G, D536G, D562G.
Identifiers: ClinVar variation 2114071 (VCV002114071.4), dbSNP rs2104360555, ClinGen allele CA346747496.

ClinVar aggregate classification (germline): Uncertain significance (1 of 4 stars; one submission).

Conditions:
Hereditary nonpolyposis colorectal neoplasms. Identifiers: MedGen C0009405, MeSH D003123.

Submission:

Labcorp Genetics (formerly Invitae), Labcorp
Classification: Uncertain significance for Hereditary nonpolyposis colorectal neoplasms. Last evaluated: 2025-01-23. Review status: criteria provided, single submitter. Criteria: Invitae Variant Classification Sherloc (09022015). Collection method: clinical testing. Allele origin: germline.
Comment: This sequence change replaces aspartic acid, which is acidic and polar, with glycine, which is neutral and non-polar, at codon 562 of the MSH6 protein (p.Asp562Gly). This variant is not present in population databases (gnomAD no frequency). This variant has not been reported in the literature in individuals affected with MSH6-related conditions. ClinVar contains an entry for this variant (Variation ID: 2114071). Invitae Evidence Modeling of protein sequence and biophysical properties (such as structural, functional, and spatial information, amino acid conservation, physicochemical variation, residue mobility, and thermodynamic stability) has been performed for this missense variant. However, the output from this modeling did not meet the statistical confidence thresholds required to predict the impact of this variant on MSH6 protein function. In summary, the available evidence is currently insufficient to determine the role of this variant in disease. Therefore, it has been classified as a Variant of Uncertain Significance.